The following is an entry in ClinVar:

ClinVar aggregate classification (germline): Uncertain significance (1 of 4 stars; one submission).

Submission:

Ambry Genetics
Classification: Uncertain significance. Last evaluated: 2023-01-12. Review status: criteria provided, single submitter. Criteria: Ambry Variant Classification Scheme 2023. Collection method: clinical testing. Allele origin: germline.
Comment: The p.G533D variant (also known as c.1598G>A), located in coding exon 11 of the RINT1 gene, results from a G to A substitution at nucleotide position 1598. The glycine at codon 533 is replaced by aspartic acid, an amino acid with similar properties. This amino acid position is conserved. In addition, this alteration is predicted to be tolerated by in silico analysis. Since supporting evidence is limited at this time, the clinical significance of this alteration remains unclear.

NM_021930.6(RINT1):c.1598G>A (p.Gly533Asp)

Gene: RINT1 (RAD50 interactor 1; plus strand). Cytogenetic location: 7q22.3.
Variant type: single nucleotide variant.
Coding change: c.1598G>A on transcript NM_021930.6 (MANE Select); coding-DNA position 1598, G replaced by A.
Protein change: p.Gly533Asp; replaces glycine 533 with aspartic acid.
Molecular consequence: missense variant.
Genome position (GRCh38, 1-based): chr7:105,555,154, G>A. VCF-style: chr7-105555154-G-A. GRCh37 (hg19) VCF-style: chr7-105195601-G-A.
Other names: c.1364G>A, p.Gly455Asp (NM_001346599.2); c.575G>A, p.Gly192Asp (NM_001346600.2, NM_001346603.2); c.674G>A, p.Gly225Asp (NM_001346601.2); short protein forms G192D, G533D, G225D, G455D.
Identifiers: ClinVar variation 2448414 (VCV002448414.2), dbSNP rs2133426918, ClinGen allele CA368811796.